The following is an entry in ClinVar:

ClinVar aggregate classification (germline): Pathogenic (0 of 4 stars; one submission).

Conditions:
Developmental and epileptic encephalopathy, 11 (DEE11). Also called: Early infantile epileptic encephalopathy 11. Identifiers: Orphanet 1934, MedGen C3150987, MONDO:0013388, OMIM 613721.

Submission:

Foundation for Research in Genetics and Endocrinology, FRIGE's Institute of Human Genetics
Classification: Pathogenic for Developmental and epileptic encephalopathy, 11. Last evaluated: 2015-07-02. Review status: no assertion criteria provided. Collection method: clinical testing. Allele origin: germline. Inheritance: Autosomal dominant inheritance. Affected: yes. Observed: 1 variant allele, 1 heterozygote.
Comment: The variant c.1154delT is not reported in 1000 Genomes Database but found to be pathogenic by online software Mutation Taster.

NM_001040142.2(SCN2A):c.1154del (p.Phe385fs)

Gene: SCN2A (sodium voltage-gated channel alpha subunit 2; plus strand). Cytogenetic location: 2q24.3.
Variant type: Deletion.
Coding change: c.1154del on transcript NM_001040142.2 (MANE Select); coding-DNA position 1154, one base deleted (T; older notation c.1154delT).
Protein change: p.Phe385fs; shifts the reading frame from phenylalanine 385.
Molecular consequence: frameshift variant.
Genome position (GRCh38, 1-based): chr2:165,313,739, T deleted; the last of 2 consecutive T bases (chr2:165,313,738-165,313,739); deleting either gives the same sequence. VCF-style (leftmost placement, unchanged base first): chr2-165313737-CT-C. GRCh37 (hg19) VCF-style: chr2-166170247-CT-C.
Other names: c.1154del, p.Phe385fs (NM_001040143.2, NM_001371246.1, NM_001371247.1 and 1 more transcripts); short protein forms F385fs.
Identifiers: ClinVar variation 242977 (VCV000242977.2), dbSNP rs879253767, ClinGen allele CA10584039.